The following is an entry in ClinVar:

NM_182914.3(SYNE2):c.10976C>T (p.Ser3659Phe)

Gene: SYNE2 (spectrin repeat containing nuclear envelope protein 2; plus strand). Cytogenetic location: 14q23.2.
Variant type: single nucleotide variant.
Coding change: c.10976C>T on transcript NM_182914.3 (MANE Select); coding-DNA position 10976, C replaced by T.
Protein change: p.Ser3659Phe; replaces serine 3659 with phenylalanine.
Molecular consequence: missense variant.
Genome position (GRCh38, 1-based): chr14:64,076,054, C>T. VCF-style: chr14-64076054-C-T. GRCh37 (hg19) VCF-style: chr14-64542772-C-T.
Other names: c.10976C>T, p.Ser3659Phe (NM_015180.6); short protein forms S3659F.
Identifiers: ClinVar variation 2415770 (VCV002415770.6), dbSNP rs1595352239, ClinGen allele CA389938701.
Genomic context (GRCh38, chr14:64,076,054, plus strand): 5'-TGGAAAAACTGCGAATCAAGTATTCCGAAATGTACACCATAGTCCCTGCAGAGATTGAAT[C>T]CCAGGTGGAAGAATGCAGAAAAGCTTTAGAAGACATAGATGAGAAGGTAATAATAATGTC-3'
Protein context (NP_878918.2, residues 3649-3669): MYTIVPAEIE[Ser3659Phe]QVEECRKALE

ClinVar aggregate classification (germline): Uncertain significance (1 of 4 stars; one submission).

Conditions:
Emery-Dreifuss muscular dystrophy 5, autosomal dominant (EDMD5). Also called: EMERY-DREIFUSS MUSCULAR DYSTROPHY 5. Identifiers: Orphanet 261, MedGen C2751805, MONDO:0013072, OMIM 612999.

Allele frequency attached by ClinVar (database versions not stated): gnomAD exomes below 0.00001; gnomAD 0.00001.
gnomAD v4.1: 4 of 1,613,858 alleles (0.00025%); highest among the groups gnomAD compares: Non-Finnish European, 0.00034%; no homozygotes.

Submission:

Labcorp Genetics (formerly Invitae), Labcorp
Classification: Uncertain significance for Emery-Dreifuss muscular dystrophy 5, autosomal dominant. Last evaluated: 2022-07-23. Review status: criteria provided, single submitter. Criteria: Invitae Variant Classification Sherloc (09022015). Collection method: clinical testing. Allele origin: germline.
Comment: In summary, the available evidence is currently insufficient to determine the role of this variant in disease. Therefore, it has been classified as a Variant of Uncertain Significance. Algorithms developed to predict the effect of missense changes on protein structure and function are either unavailable or do not agree on the potential impact of this missense change (SIFT: "Deleterious"; PolyPhen-2: "Probably Damaging"; Align-GVGD: "Class C0"). This variant has not been reported in the literature in individuals affected with SYNE2-related conditions. This variant is not present in population databases (gnomAD no frequency). This sequence change replaces serine, which is neutral and polar, with phenylalanine, which is neutral and non-polar, at codon 3659 of the SYNE2 protein (p.Ser3659Phe).